The following is an entry in ClinVar:

NM_001278669.2(NFATC1):c.337C>G (p.Pro113Ala)

Gene: NFATC1 (nuclear factor of activated T cells 1; plus strand). Cytogenetic location: 18q23.
Variant type: single nucleotide variant.
Coding change: c.337C>G on transcript NM_001278669.2 (MANE Select); coding-DNA position 337, C replaced by G.
Protein change: p.Pro113Ala; replaces proline 113 with alanine.
Molecular consequence: missense variant. On other transcripts: intron variant (2).
Genome position (GRCh38, 1-based): chr18:79,410,612, C>G. VCF-style: chr18-79410612-C-G. GRCh37 (hg19) VCF-style: chr18-77170612-C-G.
Other names: c.337C>G, p.Pro113Ala (NM_001278670.2, NM_006162.5, NM_172390.3); c.298C>G, p.Pro100Ala (NM_001278672.2, NM_001278675.2, NM_172387.3 and 1 more transcripts); c.-191+14261C>G (NM_172388.3); c.-191+10133C>G (NM_001278673.2); short protein forms P100A, P113A.
Identifiers: ClinVar variation 4797405 (VCV004797405.1).

ClinVar aggregate classification (germline): Uncertain significance (1 of 4 stars; one submission).

Submission:

Labcorp Genetics (formerly Invitae), Labcorp
Classification: Uncertain significance. Last evaluated: 2025-07-14. Review status: criteria provided, single submitter. Criteria: Invitae Variant Classification Sherloc (09022015). Collection method: clinical testing. Allele origin: germline.
Comment: This sequence change replaces proline, which is neutral and non-polar, with alanine, which is neutral and non-polar, at codon 113 of the NFATC1 protein (p.Pro113Ala). This variant is present in population databases (no rsID available, gnomAD 0.0009%). This variant has not been reported in the literature in individuals affected with NFATC1-related conditions. An algorithm developed to predict the effect of missense changes on protein structure and function (PolyPhen-2) suggests that this variant is likely to be disruptive. In summary, the available evidence is currently insufficient to determine the role of this variant in disease. Therefore, it has been classified as a Variant of Uncertain Significance.